The following is an entry in ClinVar:

NM_000392.5(ABCC2):c.2910C>G (p.Tyr970Ter)

Gene: ABCC2 (ATP binding cassette subfamily C member 2; plus strand). Cytogenetic location: 10q24.2.
Variant type: single nucleotide variant.
Coding change: c.2910C>G on transcript NM_000392.5 (MANE Select); coding-DNA position 2910, C replaced by G.
Protein change: p.Tyr970Ter; replaces tyrosine 970 with a stop codon.
Molecular consequence: nonsense.
Genome position (GRCh38, 1-based): chr10:99,831,637, C>G. VCF-style: chr10-99831637-C-G. GRCh37 (hg19) VCF-style: chr10-101591394-C-G.
Other names: short protein forms Y970*.
Identifiers: ClinVar variation 2854578 (VCV002854578.3), dbSNP rs2493011344, ClinGen allele CA378121447.

ClinVar aggregate classification (germline): Pathogenic (1 of 4 stars; one submission).

Submission:

Labcorp Genetics (formerly Invitae), Labcorp
Classification: Pathogenic. Last evaluated: 2023-04-10. Review status: criteria provided, single submitter. Criteria: Invitae Variant Classification Sherloc (09022015). Collection method: clinical testing. Allele origin: germline.
Comment: This sequence change creates a premature translational stop signal (p.Tyr970*) in the ABCC2 gene. It is expected to result in an absent or disrupted protein product. Loss-of-function variants in ABCC2 are known to be pathogenic (PMID: 9185779, 16549534, 16952291). This variant is not present in population databases (gnomAD no frequency). For these reasons, this variant has been classified as Pathogenic. This variant has not been reported in the literature in individuals affected with ABCC2-related conditions.

Literature cited by the submitters: PubMed 9185779; PubMed 16549534; PubMed 16952291.